The following is an entry in ClinVar:

NM_080632.3(UPF3B):c.1178T>C (p.Met393Thr)

Gene: UPF3B (UPF3B regulator of nonsense mediated mRNA decay; minus strand). Cytogenetic location: Xq24.
Variant type: single nucleotide variant.
Coding change: c.1178T>C on transcript NM_080632.3 (MANE Select); coding-DNA position 1178, T replaced by C.
Protein change: p.Met393Thr; replaces methionine 393 with threonine.
Molecular consequence: missense variant.
Genome position (GRCh38, 1-based): chrX:119,837,881, A>G on the plus strand (T>C on the coding strand, the complement: UPF3B is on the minus strand). VCF-style: chrX-119837881-A-G. GRCh37 (hg19) VCF-style: chrX-118971844-A-G.
Other names: c.1139T>C, p.Met380Thr (NM_023010.4); short protein forms M380T, M393T.
Identifiers: ClinVar variation 1809983 (VCV001809983.1), dbSNP rs1318649861, ClinGen allele CA414183023.

ClinVar aggregate classification (germline): Uncertain significance (1 of 4 stars; one submission).

Allele frequency attached by ClinVar (database versions not stated): gnomAD exomes below 0.00001.
gnomAD v4.1: 1 of 1,207,740 alleles (0.000083%); highest among the groups gnomAD compares: South Asian, 0.0018%; no homozygotes.

Submission:

GeneDx
Classification: Uncertain significance. Last evaluated: 2022-07-01. Review status: criteria provided, single submitter. Criteria: GeneDx Variant Classification Process June 2021. Collection method: clinical testing. Allele origin: germline. Affected: yes.
Comment: Not observed at significant frequency in large population cohorts (gnomAD); In silico analysis supports that this missense variant does not alter protein structure/function; Has not been previously published as pathogenic or benign to our knowledge